The following is an entry in ClinVar:

ClinVar aggregate classification (germline): Uncertain significance. Review status: criteria provided, multiple submitters, no conflicts (2 of 4 stars). 2 submissions from 2 submitters: Uncertain significance (2). Last evaluated 2024-06-12.

Conditions:
Nemaline myopathy 10 (NEM10). Identifiers: MedGen C4015360, MONDO:0014513, OMIM 616165.

Allele frequency attached by ClinVar (database versions not stated): gnomAD exomes below 0.00001.
gnomAD v4.1: 2 of 1,456,550 alleles (0.00014%); highest among the groups gnomAD compares: East Asian, 0.0024%; no homozygotes.

Submissions (2):

GeneDx
Classification: Uncertain significance. Last evaluated: 2024-06-12. Review status: criteria provided, single submitter. Criteria: GeneDx Variant Classification Process June 2021. Collection method: clinical testing. Allele origin: germline. Affected: yes.
Comment: Not observed at significant frequency in large population cohorts (gnomAD); In silico analysis indicates that this missense variant does not alter protein structure/function; Has not been previously published as pathogenic or benign to our knowledge

Labcorp Genetics (formerly Invitae), Labcorp
Classification: Uncertain significance for Nemaline myopathy 10. Last evaluated: 2016-12-23. Review status: criteria provided, single submitter. Criteria: Invitae Variant Classification Sherloc (09022015). Collection method: clinical testing. Allele origin: germline.
Comment: This sequence change replaces aspartic acid with glutamic acid at codon 152 of the LMOD3 protein (p.Asp152Glu). The aspartic acid residue is weakly conserved and there is a small physicochemical difference between aspartic acid and glutamic acid. This variant is not present in population databases (ExAC no frequency) and has not been reported in the literature in individuals with an LMOD3-related disease. Algorithms developed to predict the effect of missense changes on protein structure and function output the following: (SIFT: "Tolerated"; PolyPhen-2: "Benign"; Align-GVGD: "Class C0"). The glutamic acid amino acid residue is found in multiple mammalian species, suggesting that this missense change does not adversely affect protein function. These predictions have not been confirmed by published functional studies. In summary, this variant is a novel missense change that is not predicted to affect protein function. There is no indication that it causes disease, but the available evidence is currently insufficient to prove that conclusively. Therefore, it has been classified as a Variant of Uncertain Significance.

NM_198271.5(LMOD3):c.456T>A (p.Asp152Glu)

Gene: LMOD3 (leiomodin 3; minus strand). Cytogenetic location: 3p14.1.
Variant type: single nucleotide variant.
Coding change: c.456T>A on transcript NM_198271.5 (MANE Select); coding-DNA position 456, T replaced by A.
Protein change: p.Asp152Glu; replaces aspartic acid 152 with glutamic acid.
Molecular consequence: missense variant.
Genome position (GRCh38, 1-based): chr3:69,119,899, A>T on the plus strand (T>A on the coding strand, the complement: LMOD3 is on the minus strand). VCF-style: chr3-69119899-A-T. GRCh37 (hg19) VCF-style: chr3-69169050-A-T.
Other names: c.456T>A, p.Asp152Glu (NM_001304418.3); short protein forms D152E.
Identifiers: ClinVar variation 475326 (VCV000475326.2), dbSNP rs1388186593, ClinGen allele CA353476598.